The following is an entry in ClinVar:

NM_001366521.1(ATP2B1):c.2954del (p.Phe985fs)

Gene: ATP2B1 (ATPase plasma membrane Ca2+ transporting 1; minus strand). Cytogenetic location: 12q21.33.
Variant type: Deletion.
Coding change: c.2954del on transcript NM_001366521.1 (MANE Select); coding-DNA position 2954, one base deleted (T; older notation c.2954delT).
Protein change: p.Phe985fs; shifts the reading frame from phenylalanine 985.
Molecular consequence: frameshift variant. On other transcripts: non-coding transcript variant (3).
Genome position (GRCh38, 1-based): chr12:89,603,149, A deleted on the plus strand (T on the coding strand, the reverse complement: ATP2B1 is on the minus strand); the first of 4 consecutive A bases (chr12:89,603,149-89,603,152); deleting any one gives the same sequence. VCF-style (leftmost placement, unchanged base first): chr12-89603148-GA-G. GRCh37 (hg19) VCF-style: chr12-89996925-GA-G.
Other names: c.2954del, p.Phe985fs (NM_001001323.2, NM_001366520.1, NM_001366522.1 and 12 more transcripts); c.2756del, p.Phe919fs (NM_001366530.1, NM_001413053.1); c.2393del, p.Phe798fs (NM_001366531.1, NM_001366532.1, NM_001413058.1 and 2 more transcripts); c.2915del, p.Phe972fs (NM_001413048.1); c.2813del, p.Phe938fs (NM_001413051.1, NM_001413052.1, NM_001413055.1); c.2711del, p.Phe904fs (NM_001413054.1); c.2699del, p.Phe900fs (NM_001413056.1); c.2501del, p.Phe834fs (NM_001413057.1); short protein forms F798fs, F834fs, F900fs, F904fs, F919fs, F938fs, F972fs, F985fs.
Identifiers: ClinVar variation 3377230 (VCV003377230.1).

ClinVar aggregate classification (germline): Pathogenic (1 of 4 stars; one submission).

Conditions:
Intellectual developmental disorder, autosomal dominant 66. Also called: MENTAL RETARDATION, AUTOSOMAL DOMINANT 66. Identifiers: MedGen C5677000, MONDO:0030891, OMIM 619910.

Submission:

Victorian Clinical Genetics Services, Murdoch Childrens Research Institute
Classification: Pathogenic for Intellectual developmental disorder, autosomal dominant 66. Last evaluated: 2024-10-11. Review status: criteria provided, single submitter. Criteria: ACMG Guidelines, 2015. Collection method: clinical testing. Allele origin: germline. Inheritance: Autosomal dominant inheritance. Affected: yes.
Comment: Based on the classification scheme VCGS_Germline_v1.3.5, this variant is classified as Pathogenic. Following criteria are met: 0102 - Loss of function is a known mechanism of disease in this gene and is associated with intellectual developmental disorder, autosomal dominant 66 (MIM#619910; PMID: 35358416). (I) 0107 - This gene is associated with autosomal dominant disease. (I) 0201 - Variant is predicted to cause nonsense-mediated decay (NMD) and loss of protein (premature termination codon is located at least 54 nucleotides upstream of the final exon-exon junction). (SP) 0251 - This variant is heterozygous. (I) 0301 - Variant is absent from gnomAD (v2, v3 and v4). (SP) 0701 - Other NMD-predicted variants comparable to the one identified in this case have very strong previous evidence for pathogenicity. Many NMD-predicted variants have been reported as likely pathogenic and pathogenic (ClinVar, PMID: 33057194). (SP) 0807 - This variant has no previous evidence of pathogenicity. (I) 0905 - No published segregation evidence has been identified for this variant. (I) 1007 - No published functional evidence has been identified for this variant. (I) 1207 - Parental origin of the variant is unresolved. The individual's father has not been tested (duo analysis). (I) Legend: (SP) - Supporting pathogenic, (I) - Information, (SB) - Supporting benign

Literature cited by the submitters: PubMed 33057194; PubMed 35358416.